The following is an entry in ClinVar:

ClinVar aggregate classification (germline): Uncertain significance (1 of 4 stars; one submission).

Conditions:
Idiopathic generalized epilepsy. Also called: EIG; Generalised epilepsy. Identifiers: MedGen C0270850, MONDO:0005579, OMIM 600669.

Submission:

Labcorp Genetics (formerly Invitae), Labcorp
Classification: Uncertain significance for Idiopathic generalized epilepsy. Last evaluated: 2024-11-16. Review status: criteria provided, single submitter. Criteria: Invitae Variant Classification Sherloc (09022015). Collection method: clinical testing. Allele origin: germline.
Comment: This sequence change replaces valine, which is neutral and non-polar, with leucine, which is neutral and non-polar, at codon 215 of the RBFOX1 protein (p.Val215Leu). This variant is not present in population databases (gnomAD no frequency). This variant has not been reported in the literature in individuals affected with RBFOX1-related conditions. Invitae Evidence Modeling of protein sequence and biophysical properties (such as structural, functional, and spatial information, amino acid conservation, physicochemical variation, residue mobility, and thermodynamic stability) indicates that this missense variant is not expected to disrupt RBFOX1 protein function with a negative predictive value of 80%. In summary, the available evidence is currently insufficient to determine the role of this variant in disease. Therefore, it has been classified as a Variant of Uncertain Significance.

NM_018723.4(RBFOX1):c.583G>C (p.Val195Leu)

Gene: RBFOX1 (RNA binding fox-1 homolog 1; plus strand). Cytogenetic location: 16p13.3.
Variant type: single nucleotide variant.
Coding change: c.583G>C on transcript NM_018723.4 (MANE Select); coding-DNA position 583, G replaced by C.
Protein change: p.Val195Leu; replaces valine 195 with leucine.
Molecular consequence: missense variant.
Genome position (GRCh38, 1-based): chr16:7,597,392, G>C. VCF-style: chr16-7597392-G-C. GRCh37 (hg19) VCF-style: chr16-7647394-G-C.
Other names: c.691G>C, p.Val231Leu (NM_001415898.1, NM_001415909.1, NM_001415889.1 and 3 more transcripts); c.598G>C, p.Val200Leu (NM_001415910.1, NM_001415912.1); c.589G>C, p.Val197Leu (NM_001415911.1, NM_001415917.1, NM_001415902.1); c.619G>C, p.Val207Leu (NM_001415914.1, NM_001415908.1); c.643G>C, p.Val215Leu (NM_001415915.1, NM_001415896.1, NM_001415904.1 and 4 more transcripts); c.490G>C, p.Val164Leu (NM_001415916.1); c.658G>C, p.Val220Leu (NM_001415913.1, NM_001415890.1, NM_001415893.1 and 3 more transcripts); c.583G>C, p.Val195Leu (NM_001142333.2, NM_001142334.2, NM_001364800.2); and 3 more; short protein forms V164L, V197L, V215L, V238L, V195L, V200L, V220L, V207L.
Identifiers: ClinVar variation 3719628 (VCV003719628.2).